The following is an entry in ClinVar:

NM_000503.6(EYA1):c.782del (p.Pro261fs)

Gene: EYA1 (EYA transcriptional coactivator and phosphatase 1; minus strand). Cytogenetic location: 8q13.3.
Variant type: Deletion.
Coding change: c.782del on transcript NM_000503.6 (MANE Select); coding-DNA position 782, one base deleted (C; older notation c.782delC).
Protein change: p.Pro261fs; shifts the reading frame from proline 261.
Molecular consequence: frameshift variant.
Genome position (GRCh38, 1-based): chr8:71,299,091, G deleted on the plus strand (C on the coding strand, the reverse complement: EYA1 is on the minus strand); the first of 2 consecutive G bases (chr8:71,299,091-71,299,092); deleting either gives the same sequence. VCF-style (leftmost placement, unchanged base first): chr8-71299090-CG-C. GRCh37 (hg19) VCF-style: chr8-72211325-CG-C.
Other names: c.764del, p.Pro255fs (NM_001288574.2); c.416del, p.Pro139fs (NM_001288575.2); c.869del, p.Pro290fs (NM_001370333.1); c.782del, p.Pro261fs (NM_001370334.1, NM_001370335.1, NM_172058.4); c.851del, p.Pro284fs (NM_001370336.1); c.854del, p.Pro285fs (NM_172059.5); short protein forms P285fs, P290fs, P261fs, P139fs, P284fs, P255fs.
Identifiers: ClinVar variation 1428718 (VCV001428718.6), dbSNP rs2128999606, ClinGen allele CA2573143313.
Genomic context (GRCh38, chr8:71,299,090, plus strand): 5'-AATATTCACATAATTACCTGCTGTGGGATCTGTAACTGCTTGGCTGGTGATGCCAGATGG[CG>C]GTTCTTGAAGCTGGTAAGTGGCATTGGTGGATGGTGTCGTTGGGCTGGTGTTGCTGCTGG-3'

ClinVar aggregate classification (germline): Pathogenic (1 of 4 stars; one submission).

Conditions:
Melnick-Fraser syndrome (BOR). Also called: Branchiootorenal syndrome; Branchiootorenal Syndrome (BORS); Branchio-oto-renal syndrome. Identifiers: Orphanet 107, MedGen C0265234, MONDO:0007029.

Submission:

Labcorp Genetics (formerly Invitae), Labcorp
Classification: Pathogenic for Melnick-Fraser syndrome. Last evaluated: 2021-04-06. Review status: criteria provided, single submitter. Criteria: Invitae Variant Classification Sherloc (09022015). Collection method: clinical testing. Allele origin: germline.
Comment: For these reasons, this variant has been classified as Pathogenic. This variant has not been reported in the literature in individuals with EYA1-related conditions. This variant is not present in population databases (ExAC no frequency). This sequence change creates a premature translational stop signal (p.Pro261Argfs*105) in the EYA1 gene. It is expected to result in an absent or disrupted protein product. Loss-of-function variants in EYA1 are known to be pathogenic (PMID: 10464653, 18220287).

Literature cited by the submitters: PubMed 10464653; PubMed 18220287.